The following is an entry in ClinVar:

ClinVar aggregate classification (germline): Likely pathogenic (0 of 4 stars; one submission).

Conditions:
KIDINS220-related disorder. Also called: KIDINS220-related condition.

Submission:

PreventionGenetics, part of Exact Sciences
Classification: Likely pathogenic for KIDINS220-related condition. Last evaluated: 2024-09-18. Review status: no assertion criteria provided. Collection method: clinical testing. Allele origin: germline.
Comment: The KIDINS220 c.2267dupC variant is predicted to result in a frameshift and premature protein termination (p.Thr758Asnfs*3). To our knowledge, this variant has not been reported in the literature or in a large population database, indicating this variant is rare. Frameshift variants in KIDINS220 are expected to be pathogenic. However, this variant is located in exon 18 of 30, and therefore is expected to be pathogenic only for autosomal recessive KIDINS220 associated disorders. This variant is interpreted as likely pathogenic.

NM_020738.4(KIDINS220):c.2267dup (p.Thr758fs)

Gene: KIDINS220 (kinase D interacting substrate 220; minus strand). Cytogenetic location: 2p25.1.
Variant type: Duplication.
Coding change: c.2267dup on transcript NM_020738.4 (MANE Select); coding-DNA position 2267, one base duplicated (C; older notation c.2267dupC).
Protein change: p.Thr758fs; shifts the reading frame from threonine 758.
Molecular consequence: frameshift variant. On other transcripts: non-coding transcript variant (2).
Genome position (GRCh38, 1-based): chr2:8,779,777, G duplicated on the plus strand (C on the coding strand, the reverse complement: KIDINS220 is on the minus strand). VCF-style (leftmost placement, unchanged base first): chr2-8779776-T-TG. GRCh37 (hg19) VCF-style: chr2-8919906-T-TG.
Other names: c.2270dup, p.Thr759fs (NM_001348729.2, NM_001348731.2, NM_001348734.2 and 3 more transcripts); c.2267dup, p.Thr758fs (NM_001348732.2, NM_001348735.2, NM_001348738.2 and 3 more transcripts); c.2141dup, p.Thr716fs (NM_001348736.2); short protein forms T716fs, T758fs, T759fs.
Identifiers: ClinVar variation 3345035 (VCV003345035.1).
Genomic context (GRCh38, chr2:8,779,776, plus strand): 5'-TAATCCATCGATGATGACCACCAGCCTTGTCTGATTCTGAGTGAAGCTGTCAATGGTTTT[T>TG]GCCATCCTGGCCATCAATTCCACTTCACATTTAAGAACCTGTATTGCAAAGGAAGGTATA-3'